The following is an entry in ClinVar:

NM_000384.3(APOB):c.3524A>C (p.Glu1175Ala)

Gene: APOB (apolipoprotein B; minus strand). Cytogenetic location: 2p24.1.
Variant type: single nucleotide variant.
Coding change: c.3524A>C on transcript NM_000384.3 (MANE Select); coding-DNA position 3524, A replaced by C.
Protein change: p.Glu1175Ala; replaces glutamic acid 1175 with alanine.
Molecular consequence: missense variant.
Genome position (GRCh38, 1-based): chr2:21,015,245, T>G on the plus strand (A>C on the coding strand, the complement: APOB is on the minus strand). VCF-style: chr2-21015245-T-G. GRCh37 (hg19) VCF-style: chr2-21238117-T-G.
Other names: c.3524A>C (NM_000384.2); short protein forms E1175A.
Identifiers: ClinVar variation 1352893 (VCV001352893.7), dbSNP rs1307980669, ClinGen allele CA346008886.
Genomic context (GRCh38, chr2:21,015,245, plus strand): 5'-ACAGGGAAATTGGAAGTCATTTTTTTGGTATCTACATTGGTGCCTGTGTTCCATTCAAAT[T>G]CAATCTTCTCTTCATCTGAAAATACGTAGGAAATAGTTGTGAATGGTACTAGTTCAGCCT-3'
Protein context (NP_000375.3, residues 1165-1185): VAWHYDEEKI[Glu1175Ala]FEWNTGTNVD

ClinVar aggregate classification (germline): Conflicting classifications of pathogenicity. Review status: criteria provided, conflicting classifications (1 of 4 stars). 2 submissions from 2 submitters: Uncertain significance (1); Likely benign (1). Last evaluated 2025-09-23.

Conditions:
Familial hypobetalipoproteinemia 1. Also called: APOB-Related Familial Hypobetalipoproteinemia; Hypobetalipoproteinemia, normotriglyceridemic; Acanthocytosis with hypobetalipoproteinemia. Identifiers: MedGen C4551990, MONDO:0014252, OMIM 615558.
Hypercholesterolemia, autosomal dominant, type B (FHCL2). Also called: APOB-Related Familial Hypercholesterolemia, Autosomal Dominant; HYPERCHOLESTEROLEMIA, FAMILIAL, DUE TO LIGAND-DEFECTIVE APOLIPOPROTEIN B; Hyperlipoproteinemia Type IIb; Familial Hypercholesterolemia Type B; APOLIPOPROTEIN B-100, FAMILIAL DEFECTIVE; APOLIPOPROTEIN B-100, FAMILIAL LIGAND-DEFECTIVE. Identifiers: MedGen C1704417, MONDO:0007751, OMIM 144010.
Cardiovascular phenotype. Identifiers: MedGen CN230736.

Allele frequency attached by ClinVar (database versions not stated): gnomAD exomes below 0.00001 and 0.00001; TOPMed below 0.00001; gnomAD 0.00002.
gnomAD v4.1: 5 of 1,614,096 alleles (0.00031%); highest among the groups gnomAD compares: East Asian, 0.011%; no homozygotes.

Submissions (2):

Labcorp Genetics (formerly Invitae), Labcorp
Classification: Likely benign for Familial hypobetalipoproteinemia 1; Hypercholesterolemia, autosomal dominant, type B. Last evaluated: 2025-09-23. Review status: criteria provided, single submitter. Criteria: Invitae Variant Classification Sherloc (09022015). Collection method: clinical testing. Allele origin: germline.

Ambry Genetics
Classification: Uncertain significance for Cardiovascular phenotype. Last evaluated: 2025-02-05. Review status: criteria provided, single submitter. Criteria: Ambry Variant Classification Scheme 2023. Collection method: clinical testing. Allele origin: germline.
Comment: The p.E1175A variant (also known as c.3524A>C), located in coding exon 23 of the APOB gene, results from an A to C substitution at nucleotide position 3524. The glutamic acid at codon 1175 is replaced by alanine, an amino acid with dissimilar properties. This amino acid position is well conserved in available vertebrate species. In addition, this alteration is predicted to be tolerated by in silico analysis. Based on the available evidence, the clinical significance of this variant remains unclear.